The following is an entry in ClinVar:

NM_004655.4(AXIN2):c.1162C>T (p.Arg388Cys)

Gene: AXIN2 (axin 2; minus strand). Cytogenetic location: 17q24.1.
Variant type: single nucleotide variant.
Coding change: c.1162C>T on transcript NM_004655.4 (MANE Select); coding-DNA position 1162, C replaced by T.
Protein change: p.Arg388Cys; replaces arginine 388 with cysteine.
Molecular consequence: missense variant.
Genome position (GRCh38, 1-based): chr17:65,538,241, G>A on the plus strand (C>T on the coding strand, the complement: AXIN2 is on the minus strand). VCF-style: chr17-65538241-G-A. GRCh37 (hg19) VCF-style: chr17-63534359-G-A.
Other names: c.1162C>T (LRG_296t1); c.1162C>T, p.Arg388Cys (NM_001363813.1); short protein forms R388C.
Identifiers: ClinVar variation 324650 (VCV000324650.18), dbSNP rs886053273, ClinGen allele CA10646576.

ClinVar aggregate classification (germline): Uncertain significance. Review status: criteria provided, multiple submitters, no conflicts (2 of 4 stars). 4 submissions from 4 submitters: Uncertain significance (4). Last evaluated 2025-04-13.

Conditions:
Oligodontia-cancer predisposition syndrome. Also called: TOOTH AGENESIS-COLORECTAL CANCER SYNDROME. Identifiers: Orphanet 300576, MedGen C1837750, MONDO:0012075, OMIM 608615. Disease mechanism: loss of function.
Colorectal cancer. Also called: Colorectal cancer, somatic; Malignant Colorectal Neoplasm. Identifiers: MedGen C0346629, MONDO:0005575, OMIM 114500.
Hereditary cancer-predisposing syndrome. Also called: Tumor predisposition; Neoplastic Syndromes, Hereditary; Hereditary neoplastic syndrome; Hereditary Cancer Syndrome. Identifiers: Orphanet 140162, MedGen C0027672, MeSH D009386, MONDO:0015356.

Allele frequency attached by ClinVar (database versions not stated): gnomAD exomes below 0.00001.
gnomAD v4.1: 1 of 1,614,186 alleles (0.000062%); highest among the groups gnomAD compares: Non-Finnish European, 0.000085%; no homozygotes.

Submissions (4):

Labcorp Genetics (formerly Invitae), Labcorp
Classification: Uncertain significance for Oligodontia-cancer predisposition syndrome. Last evaluated: 2025-04-13. Review status: criteria provided, single submitter. Criteria: Invitae Variant Classification Sherloc (09022015). Collection method: clinical testing. Allele origin: germline.
Comment: This sequence change replaces arginine, which is basic and polar, with cysteine, which is neutral and slightly polar, at codon 388 of the AXIN2 protein (p.Arg388Cys). This variant is not present in population databases (gnomAD no frequency). This variant has not been reported in the literature in individuals affected with AXIN2-related conditions. ClinVar contains an entry for this variant (Variation ID: 324650). Invitae Evidence Modeling of protein sequence and biophysical properties (such as structural, functional, and spatial information, amino acid conservation, physicochemical variation, residue mobility, and thermodynamic stability) indicates that this missense variant is not expected to disrupt AXIN2 protein function with a negative predictive value of 80%. In summary, the available evidence is currently insufficient to determine the role of this variant in disease. Therefore, it has been classified as a Variant of Uncertain Significance.

Ambry Genetics
Classification: Uncertain significance for Hereditary cancer-predisposing syndrome. Last evaluated: 2024-10-31. Review status: criteria provided, single submitter. Criteria: Ambry Variant Classification Scheme 2023. Collection method: clinical testing. Allele origin: germline.
Comment: The p.R388C variant (also known as c.1162C>T), located in coding exon 4 of the AXIN2 gene, results from a C to T substitution at nucleotide position 1162. The arginine at codon 388 is replaced by cysteine, an amino acid with highly dissimilar properties. This amino acid position is not well conserved on limited sequence alignment. In addition, the in silico prediction for this alteration is inconclusive. Since supporting evidence is limited at this time, the clinical significance of this alteration remains unclear.

Baylor Genetics
Classification: Uncertain significance for Colorectal cancer. Last evaluated: 2023-08-03. Review status: criteria provided, single submitter. Criteria: ACMG Guidelines, 2015. Collection method: clinical testing. Allele origin: unknown.

Illumina Laboratory Services, Illumina
Classification: Uncertain significance for Oligodontia-cancer predisposition syndrome. Last evaluated: 2018-01-13. Review status: criteria provided, single submitter. Criteria: ICSL Variant Classification Criteria 13 December 2019. Collection method: clinical testing. Allele origin: germline.